The following is an entry in ClinVar:

ClinVar aggregate classification (germline): Uncertain significance (1 of 4 stars; one submission).

Allele frequency attached by ClinVar (database versions not stated): ExAC 0.00044.

Submission:

Labcorp Genetics (formerly Invitae), Labcorp
Classification: Uncertain significance. Last evaluated: 2024-05-22. Review status: criteria provided, single submitter. Criteria: Invitae Variant Classification Sherloc (09022015). Collection method: clinical testing. Allele origin: germline.
Comment: This sequence change replaces glycine, which is neutral and non-polar, with arginine, which is basic and polar, at codon 235 of the TUBB2A protein (p.Gly235Arg). The frequency data for this variant in the population databases is considered unreliable, as metrics indicate poor data quality at this position in the gnomAD database. This variant has not been reported in the literature in individuals affected with TUBB2A-related conditions. ClinVar contains an entry for this variant (Variation ID: 1949958). Advanced modeling of protein sequence and biophysical properties (such as structural, functional, and spatial information, amino acid conservation, physicochemical variation, residue mobility, and thermodynamic stability) performed at Invitae indicates that this missense variant is expected to disrupt TUBB2A protein function with a positive predictive value of 80%. In summary, the available evidence is currently insufficient to determine the role of this variant in disease. Therefore, it has been classified as a Variant of Uncertain Significance.

NM_001069.3(TUBB2A):c.703G>A (p.Gly235Arg)

Gene: TUBB2A (tubulin beta 2A class IIa; minus strand). Cytogenetic location: 6p25.2.
Variant type: single nucleotide variant.
Coding change: c.703G>A on transcript NM_001069.3 (MANE Select); coding-DNA position 703, G replaced by A.
Protein change: p.Gly235Arg; replaces glycine 235 with arginine.
Molecular consequence: missense variant.
Genome position (GRCh38, 1-based): chr6:3,154,498, C>T on the plus strand (G>A on the coding strand, the complement: TUBB2A is on the minus strand). VCF-style: chr6-3154498-C-T. GRCh37 (hg19) VCF-style: chr6-3154732-C-T.
Other names: c.448G>A, p.Gly150Arg (NM_001310315.2); short protein forms G150R, G235R.
Identifiers: ClinVar variation 1949958 (VCV001949958.5), dbSNP rs760895731, ClinGen allele CA3619004.